The following is an entry in ClinVar:

NM_002249.6(KCNN3):c.1489G>T (p.Ala497Ser)

Gene: KCNN3 (potassium calcium-activated channel subfamily N member 3; minus strand). Cytogenetic location: 1q21.3.
Variant type: single nucleotide variant.
Coding change: c.1489G>T on transcript NM_002249.6 (MANE Select); coding-DNA position 1489, G replaced by T.
Protein change: p.Ala497Ser; replaces alanine 497 with serine.
Molecular consequence: missense variant.
Genome position (GRCh38, 1-based): chr1:154,733,104, C>A on the plus strand (G>T on the coding strand, the complement: KCNN3 is on the minus strand). VCF-style: chr1-154733104-C-A. GRCh37 (hg19) VCF-style: chr1-154705580-C-A.
Other names: c.1534G>T, p.Ala512Ser (NM_001204087.2); c.595G>T, p.Ala199Ser (NM_001365837.1); c.550G>T, p.Ala184Ser (NM_001365838.1); c.574G>T, p.Ala192Ser (NM_170782.3); short protein forms A184S, A497S, A512S, A199S, A192S.
Identifiers: ClinVar variation 5009817 (VCV005009817.1).

ClinVar aggregate classification (germline): Uncertain significance (1 of 4 stars; one submission).

gnomAD v4.1: 1 of 1,614,150 alleles (0.000062%); highest among the groups gnomAD compares: South Asian, 0.0011%; no homozygotes.

Submission:

GeneDx
Classification: Uncertain significance. Last evaluated: 2026-02-24. Review status: criteria provided, single submitter. Criteria: GeneDx Variant Classification Process June 2021. Collection method: clinical testing. Allele origin: germline.
Comment: Not observed at significant frequency in large population cohorts (gnomAD); In silico analysis suggests that this missense variant does not alter protein structure/function; Has not been previously published as pathogenic or benign to our knowledge